The following is an entry in ClinVar:

NM_001384140.1(PCDH15):c.969C>A (p.Leu323=)

Gene: PCDH15 (protocadherin related 15; minus strand). Cytogenetic location: 10q21.1.
Variant type: single nucleotide variant.
Coding change: c.969C>A on transcript NM_001384140.1 (MANE Select); coding-DNA position 969, C replaced by A.
Protein change: p.Leu323=; no amino-acid change (leucine 323 retained).
Molecular consequence: synonymous variant.
Genome position (GRCh38, 1-based): chr10:54,236,839, G>T on the plus strand (C>A on the coding strand, the complement: PCDH15 is on the minus strand). VCF-style: chr10-54236839-G-T. GRCh37 (hg19) VCF-style: chr10-55996599-G-T.
Other names: c.969C>A, p.Leu323= (NM_001142764.2, NM_001142765.2, NM_001142766.2 and 7 more transcripts); c.858C>A, p.Leu286= (NM_001142767.2); c.903C>A, p.Leu301= (NM_001142768.2, NM_001142773.2, NM_001354404.2); c.984C>A, p.Leu328= (NM_001142769.4, NM_001142771.2, NM_001142763.2).
Identifiers: ClinVar variation 724892 (VCV000724892.12), dbSNP rs994026891, ClinGen allele CA207256014.

ClinVar aggregate classification (germline): Likely benign. Review status: criteria provided, multiple submitters, no conflicts (2 of 4 stars). 3 submissions from 3 submitters: Likely benign (2). 1 of the submissions does not count toward it. Last evaluated 2025-11-22.

Conditions:
PCDH15-related disorder. Also called: PCDH15-related disorders; PCDH15-related condition.
Usher syndrome type 1F (USH1F). Also called: USHER SYNDROME, TYPE IF. Identifiers: Orphanet 231169, Orphanet 886, MedGen C1865885, MONDO:0011186, OMIM 602083.

Allele frequency attached by ClinVar (database versions not stated): TOPMed 0.00002; gnomAD 0.00003; gnomAD exomes below 0.00001.
gnomAD v4.1: 19 of 1,612,320 alleles (0.0012%); highest among the groups gnomAD compares: Non-Finnish European, 0.0015%; no homozygotes.

Submissions (3):

Labcorp Genetics (formerly Invitae), Labcorp
Classification: Likely benign. Last evaluated: 2025-11-22. Review status: criteria provided, single submitter. Criteria: Invitae Variant Classification Sherloc (09022015). Collection method: clinical testing. Allele origin: germline.

PreventionGenetics, part of Exact Sciences
Classification: Likely benign for PCDH15-related condition. Last evaluated: 2025-02-14. Review status: criteria provided, single submitter. Criteria: ACMG Guidelines, 2015. Collection method: clinical testing. Allele origin: germline.
Comment: This variant is classified as likely benign based on ACMG/AMP sequence variant interpretation guidelines (Richards et al. 2015 PMID: 25741868, with internal and published modifications).

Natera, Inc.
Classification: Likely benign for Usher syndrome type 1F. Last evaluated: 2020-01-29. Review status: no assertion criteria provided. Collection method: clinical testing. Allele origin: germline. Not counted in ClinVar's aggregate classification.